The following is an entry in ClinVar:

ClinVar aggregate classification (germline): Uncertain significance (1 of 4 stars; one submission).

Conditions:
Noonan syndrome 9 (NS9). Identifiers: Orphanet 648, MedGen C4225282, MONDO:0014691, OMIM 616559.

Allele frequency attached by ClinVar (database versions not stated): gnomAD exomes below 0.00001; ExAC 0.00001.
gnomAD v4.1: 1 of 1,614,182 alleles (0.000062%); highest among the groups gnomAD compares: Non-Finnish European, 0.000085%; no homozygotes.

Submission:

Labcorp Genetics (formerly Invitae), Labcorp
Classification: Uncertain significance for Noonan syndrome 9. Last evaluated: 2021-11-05. Review status: criteria provided, single submitter. Criteria: Invitae Variant Classification Sherloc (09022015). Collection method: clinical testing. Allele origin: germline.
Comment: In summary, the available evidence is currently insufficient to determine the role of this variant in disease. Therefore, it has been classified as a Variant of Uncertain Significance. Algorithms developed to predict the effect of missense changes on protein structure and function are either unavailable or do not agree on the potential impact of this missense change (SIFT: "Tolerated"; PolyPhen-2: "Probably Damaging"; Align-GVGD: "Class C0"). This variant has not been reported in the literature in individuals affected with SOS2-related conditions. This variant is present in population databases (rs778331065, gnomAD 0.0009%). This sequence change replaces glutamic acid, which is acidic and polar, with glycine, which is neutral and non-polar, at codon 531 of the SOS2 protein (p.Glu531Gly).

NM_006939.4(SOS2):c.1592A>G (p.Glu531Gly)

Gene: SOS2 (SOS Ras/Rho guanine nucleotide exchange factor 2; minus strand). Cytogenetic location: 14q21.3.
Variant type: single nucleotide variant.
Coding change: c.1592A>G on transcript NM_006939.4 (MANE Select); coding-DNA position 1592, A replaced by G.
Protein change: p.Glu531Gly; replaces glutamic acid 531 with glycine.
Molecular consequence: missense variant.
Genome position (GRCh38, 1-based): chr14:50,159,691, T>C on the plus strand (A>G on the coding strand, the complement: SOS2 is on the minus strand). VCF-style: chr14-50159691-T-C. GRCh37 (hg19) VCF-style: chr14-50626409-T-C.
Other names: short protein forms E531G.
Identifiers: ClinVar variation 1386899 (VCV001386899.6), dbSNP rs778331065, ClinGen allele CA7177263.